The following is an entry in ClinVar:

NM_005359.6(SMAD4):c.167C>T (p.Ser56Phe)

Gene: SMAD4 (SMAD family member 4; plus strand). Cytogenetic location: 18q21.2.
Variant type: single nucleotide variant.
Coding change: c.167C>T on transcript NM_005359.6 (MANE Select); coding-DNA position 167, C replaced by T.
Protein change: p.Ser56Phe; replaces serine 56 with phenylalanine.
Molecular consequence: missense variant. On other transcripts: non-coding transcript variant (2).
Genome position (GRCh38, 1-based): chr18:51,047,213, C>T. VCF-style: chr18-51047213-C-T. GRCh37 (hg19) VCF-style: chr18-48573583-C-T.
Other names: c.167C>T, p.Ser56Phe (NM_001407041.1, NM_001407042.1, NM_001407043.1); short protein forms S56F.
Identifiers: ClinVar variation 3637561 (VCV003637561.2).

ClinVar aggregate classification (germline): Uncertain significance (1 of 4 stars; one submission).

Conditions:
Juvenile polyposis syndrome (JPS). Identifiers: Orphanet 2929, MedGen C0345893, MONDO:0017380, OMIM 174900.

Submission:

Labcorp Genetics (formerly Invitae), Labcorp
Classification: Uncertain significance for Juvenile polyposis syndrome. Last evaluated: 2024-09-11. Review status: criteria provided, single submitter. Criteria: Invitae Variant Classification Sherloc (09022015). Collection method: clinical testing. Allele origin: germline.
Comment: This sequence change replaces serine, which is neutral and polar, with phenylalanine, which is neutral and non-polar, at codon 56 of the SMAD4 protein (p.Ser56Phe). This variant is not present in population databases (gnomAD no frequency). This variant has not been reported in the literature in individuals affected with SMAD4-related conditions. Invitae Evidence Modeling of protein sequence and biophysical properties (such as structural, functional, and spatial information, amino acid conservation, physicochemical variation, residue mobility, and thermodynamic stability) has been performed for this missense variant. However, the output from this modeling did not meet the statistical confidence thresholds required to predict the impact of this variant on SMAD4 protein function. In summary, the available evidence is currently insufficient to determine the role of this variant in disease. Therefore, it has been classified as a Variant of Uncertain Significance.